The following is an entry in ClinVar:

NM_004470.4(FKBP2):c.-5+420G>A

Genes: FKBP2 (FKBP prolyl isomerase 2; plus strand), LOC114841035 (uncharacterized LOC114841035; plus strand). Cytogenetic location: 11q13.1.
Variant type: single nucleotide variant.
Coding change: c.-5+420G>A on transcript NM_004470.4 (MANE Select); 420 bases into the intron after 5 bases upstream of the start codon, G replaced by A.
Molecular consequence: intron variant. On other transcripts: synonymous variant (1).
Genome position (GRCh38, 1-based): chr11:64,241,552, G>A. VCF-style: chr11-64241552-G-A. GRCh37 (hg19) VCF-style: chr11-64009024-G-A.
Other names: c.273G>A, p.Thr91= (NM_001370414.1); c.-5+314G>A (NM_001135208.2); c.-129+420G>A (NM_001370367.1); c.-5+18G>A (NM_001370362.1).
Identifiers: ClinVar variation 2641910 (VCV002641910.23), dbSNP rs866712499, ClinGen allele CA223829278.

ClinVar aggregate classification (germline): Likely benign (1 of 4 stars; one submission).

Allele frequency attached by ClinVar (database versions not stated): TOPMed 0.00038; gnomAD 0.00043; gnomAD exomes 0.00155.
gnomAD v4.1: 70 of 152,940 alleles (0.046%); highest among the groups gnomAD compares: Middle Eastern, 1%; no homozygotes.

Submission:

CeGaT Center for Human Genetics Tuebingen
Classification: Likely benign. Last evaluated: 2022-10-01. Review status: criteria provided, single submitter. Criteria: CeGaT Center For Human Genetics Tuebingen Variant Classification Criteria Version 2. Collection method: clinical testing. Allele origin: germline. Affected: yes. Observed: 1 variant allele.
Comment: ENSG00000286264: BP4, BP7; LOC114841035: BP4, BP7